The following is an entry in ClinVar:

ClinVar aggregate classification (germline): Uncertain significance (1 of 4 stars; one submission).

Submission:

Ambry Genetics
Classification: Uncertain significance. Last evaluated: 2025-10-15. Review status: criteria provided, single submitter. Criteria: Ambry Variant Classification Scheme 2023. Collection method: clinical testing. Allele origin: germline.
Comment: The p.A365V variant (also known as c.1094C>T), located in coding exon 8 of the RNF43 gene, results from a C to T substitution at nucleotide position 1094. The alanine at codon 365 is replaced by valine, an amino acid with similar properties. This amino acid position is conserved. In addition, this alteration is predicted to be tolerated by in silico analysis. Based on the available evidence, the clinical significance of this variant remains unclear.

NM_017763.6(RNF43):c.1094C>T (p.Ala365Val)

Gene: RNF43 (ring finger protein 43; minus strand). Cytogenetic location: 17q22.
Variant type: single nucleotide variant.
Coding change: c.1094C>T on transcript NM_017763.6 (MANE Select); coding-DNA position 1094, C replaced by T.
Protein change: p.Ala365Val; replaces alanine 365 with valine.
Molecular consequence: missense variant.
Genome position (GRCh38, 1-based): chr17:58,358,682, G>A on the plus strand (C>T on the coding strand, the complement: RNF43 is on the minus strand). VCF-style: chr17-58358682-G-A. GRCh37 (hg19) VCF-style: chr17-56436043-G-A.
Other names: c.1094C>T, p.Ala365Val (NM_001305544.3, NM_001438820.1, NM_001438821.1 and 1 more transcripts); c.713C>T, p.Ala238Val (NM_001305545.2, NM_001437987.1); short protein forms A238V, A365V.
Identifiers: ClinVar variation 4578963 (VCV004578963.1).